The following is an entry in ClinVar:

NM_020988.3(GNAO1):c.140G>A (p.Ser47Asn)

Gene: GNAO1 (G protein subunit alpha o1; plus strand). Cytogenetic location: 16q13.
Variant type: single nucleotide variant.
Coding change: c.140G>A on transcript NM_020988.3 (MANE Select); coding-DNA position 140, G replaced by A.
Protein change: p.Ser47Asn; replaces serine 47 with asparagine.
Molecular consequence: missense variant.
Genome position (GRCh38, 1-based): chr16:56,192,595, G>A. VCF-style: chr16-56192595-G-A. GRCh37 (hg19) VCF-style: chr16-56226507-G-A.
Other names: c.140G>A, p.Ser47Asn (NM_138736.3); short protein forms S47N.
Identifiers: ClinVar variation 641655 (VCV000641655.12), dbSNP rs1596787821, ClinGen allele CA396128611.

ClinVar aggregate classification (germline): Pathogenic. Review status: criteria provided, multiple submitters, no conflicts (2 of 4 stars). 2 submissions from 2 submitters: Pathogenic (2). Last evaluated 2022-07-12.

Conditions:
Developmental and epileptic encephalopathy, 17 (DEE17). Also called: Early infantile epileptic encephalopathy 17. Identifiers: Orphanet 1934, MedGen C3809606, MONDO:0014199, OMIM 615473.
Early-infantile DEE. Also called: Early infantile epileptic encephalopathy; Early infantile epileptic encephalopathy with suppression bursts; Ohtahara syndrome. Identifiers: Orphanet 1934, MedGen C0393706, MONDO:0800491.

Submissions (2):

Labcorp Genetics (formerly Invitae), Labcorp
Classification: Pathogenic for Early-infantile DEE. Last evaluated: 2022-07-12. Review status: criteria provided, single submitter. Criteria: Invitae Variant Classification Sherloc (09022015). Collection method: clinical testing. Allele origin: germline.
Comment: This variant is not present in population databases (gnomAD no frequency). This missense change has been observed in individual(s) with GNAO1-related conditions (Invitae). In at least one individual the variant was observed to be de novo. ClinVar contains an entry for this variant (Variation ID: 641655). Advanced modeling of protein sequence and biophysical properties (such as structural, functional, and spatial information, amino acid conservation, physicochemical variation, residue mobility, and thermodynamic stability) performed at Invitae indicates that this missense variant is expected to disrupt GNAO1 protein function. For these reasons, this variant has been classified as Pathogenic. This sequence change replaces serine, which is neutral and polar, with asparagine, which is neutral and polar, at codon 47 of the GNAO1 protein (p.Ser47Asn).

Victorian Clinical Genetics Services, Murdoch Childrens Research Institute
Classification: Pathogenic for Developmental and epileptic encephalopathy, 17. Last evaluated: 2022-02-02. Review status: criteria provided, single submitter. Criteria: ACMG Guidelines, 2015. Collection method: clinical testing. Allele origin: germline. Inheritance: Autosomal dominant inheritance. Affected: yes.
Comment: Based on the classification scheme VCGS_Germline_v1.3.4, this variant is classified as Pathogenic. Following criteria are met: 0103 - Loss of function and gain of function are known mechanisms of disease in this gene and are associated with early infantile epileptic encephalopathy (MIM#615473) and neurodevelopmental disorder with involuntary movements (MIM#617493), respectively (PMID: 28747448). (I) 0107 - This gene is associated with autosomal dominant disease. (I) 0200 - Variant is predicted to result in a missense amino acid change from serine to asparagine. (I) 0251 - This variant is heterozygous. (I) 0301 - Variant is absent from gnomAD (both v2 and v3). (SP) 0501 - Missense variant consistently predicted to be damaging by multiple in silico tools or highly conserved with a major amino acid change. (SP) 0603 - Missense variant in a region that is highly intolerant to missense variation (high constraint region in DECIPHER). (SP) 0704 - Another missense variant comparable to the one identified in this case has limited previous evidence for pathogenicity. p.(Ser47Gly) has been reported to be de novo in a patient with early infantile epileptic encephalopathy (MIM#615473) (PMID: 28357411). (SP) 0802 - This variant has moderate previous evidence of pathogenicity in unrelated individuals. It has been reported by a diagnostic laboratory in ClinVar to be de novo in a single patient with early infantile epileptic encephalopathy (MIM#615473). (SP) 0905 - No published segregation evidence has been identified for this variant. (I) 1007 - No published functional evidence has been identified for this variant. (SP) Legend: (SP) - Supporting pathogenic, (I) - Information, (SB) - Supporting benign

Literature cited by the submitters: PubMed 28357411 (cited by Victorian Clinical Genetics Services, Murdoch Childrens Research Institute); PubMed 28747448 (cited by Victorian Clinical Genetics Services, Murdoch Childrens Research Institute).